The following is an entry in ClinVar:

ClinVar aggregate classification (germline): Benign. Review status: criteria provided, multiple submitters, no conflicts (2 of 4 stars). 5 submissions from 5 submitters: Benign (5). Last evaluated 2026-02-04.

Conditions:
Finnish type amyloidosis. Also called: AMYLOID CRANIAL NEUROPATHY WITH LATTICE CORNEAL DYSTROPHY; AMYLOIDOSIS DUE TO MUTANT GELSOLIN; Lattice corneal dystrophy associated with familial systemic amyloidosis; Meretoja's syndrome; Lattice dystrophy of the cornea with hereditary generalized amyloidosis; Amyloidosis, familial, Finnish type. Identifiers: Orphanet 85448, MedGen C1622345, MONDO:0007097, OMIM 105120.

Allele frequency attached by ClinVar (database versions not stated): gnomAD exomes 0.02858 and 0.07799; ESP Exome Variant Server 0.05413; gnomAD 0.07073 and 0.07195; ExAC 0.07258; TOPMed 0.08785; 1000 Genomes Project 0.12440; 1000 Genomes Project 30x 0.12726.
gnomAD v4.1: 53,165 of 1,613,976 alleles (3.3%); highest among the groups gnomAD compares: Admixed American, 25%; 3,941 homozygotes.

Submissions (5):

Labcorp Genetics (formerly Invitae), Labcorp
Classification: Benign. Last evaluated: 2026-02-04. Review status: criteria provided, single submitter. Criteria: Invitae Variant Classification Sherloc (09022015). Collection method: clinical testing. Allele origin: germline.

Mayo Clinic Laboratories, Mayo Clinic
Classification: Benign. Last evaluated: 2022-03-09. Review status: criteria provided, single submitter. Criteria: ACMG Guidelines, 2015. Collection method: clinical testing. Allele origin: germline. Observed: 75 variant alleles.

GeneDx
Classification: Benign. Last evaluated: 2021-05-04. Review status: criteria provided, single submitter. Criteria: GeneDx Variant Classification Process June 2021. Collection method: clinical testing. Allele origin: germline. Affected: yes.

Illumina Laboratory Services, Illumina
Classification: Benign for Finnish type amyloidosis. Last evaluated: 2018-01-13. Review status: criteria provided, single submitter. Criteria: ICSL Variant Classification Criteria 13 December 2019. Collection method: clinical testing. Allele origin: germline.
Comment: This variant was observed in the ICSL laboratory as part of a predisposition screen in an ostensibly healthy population. It had not been previously curated by ICSL or reported in the Human Gene Mutation Database (HGMD: prior to June 1st, 2018), and was therefore a candidate for classification through an automated scoring system. Utilizing variant allele frequency, disease prevalence and penetrance estimates, and inheritance mode, an automated score was calculated to assess if this variant is too frequent to cause the disease. Based on the score and internal cut-off values, a variant classified as benign is not then subjected to further curation. The score for this variant resulted in a classification of benign for this disease.

Breakthrough Genomics
Classification: Benign. Review status: criteria provided, single submitter. Criteria: ACMG Guidelines, 2015. Collection method: not provided. Allele origin: germline. Inheritance: Autosomal dominant inheritance. Affected: yes.

NM_198252.3(GSN):c.2115T>C (p.Phe705=)

Gene: GSN (gelsolin; plus strand). Cytogenetic location: 9q33.2.
Variant type: single nucleotide variant.
Coding change: c.2115T>C on transcript NM_198252.3 (MANE Select); coding-DNA position 2115, T replaced by C.
Protein change: p.Phe705=; no amino-acid change (phenylalanine 705 retained).
Molecular consequence: synonymous variant.
Genome position (GRCh38, 1-based): chr9:121,332,522, T>C. VCF-style: chr9-121332522-T-C. GRCh37 (hg19) VCF-style: chr9-124094800-T-C.
Other names: p.Phe756=; c.2268T>C, p.Phe756= (NM_000177.5); c.2115T>C, p.Phe705= (NM_001127662.2, NM_001127664.2, NM_001127665.2 and 10 more transcripts); c.2223T>C, p.Phe741= (NM_001127663.2); c.2148T>C, p.Phe716= (NM_001127666.2, NM_001353063.2, NM_001353064.2 and 13 more transcripts); c.2166T>C, p.Phe722= (NM_001258029.2); c.2139T>C, p.Phe713= (NM_001258030.2); c.2187T>C, p.Phe729= (NM_001353076.2); and 1 more.
Identifiers: ClinVar variation 364830 (VCV000364830.17), dbSNP rs9102, ClinGen allele CA5221542.